The following is an entry in ClinVar:

NM_001267550.2(TTN):c.69338G>A (p.Arg23113Gln)

Genes: TTN-AS1 (TTN antisense RNA 1; plus strand), TTN (titin; minus strand). Cytogenetic location: 2q31.2.
Variant type: single nucleotide variant.
Coding change: c.69338G>A on transcript NM_001267550.2 (MANE Select); coding-DNA position 69338, G replaced by A.
Protein change: p.Arg23113Gln; replaces arginine 23113 with glutamine.
Molecular consequence: missense variant.
Genome position (GRCh38, 1-based): chr2:178,576,997, C>T on the plus strand (G>A on the coding strand, the complement: TTN is on the minus strand). VCF-style: chr2-178576997-C-T. GRCh37 (hg19) VCF-style: chr2-179441724-C-T.
Other names: c.42143G>A, p.Arg14048Gln (NM_003319.4); c.42518G>A, p.Arg14173Gln (NM_133432.3); c.42719G>A, p.Arg14240Gln (NM_133437.4); c.64415G>A, p.Arg21472Gln (NM_001256850.1); c.61634G>A, p.Arg20545Gln (NM_133378.4); short protein forms R20545Q, R23113Q, R21472Q, R14173Q, R14240Q, R14048Q.
Identifiers: ClinVar variation 191909 (VCV000191909.21), dbSNP rs370890454, ClinGen allele CA237845.

ClinVar aggregate classification (germline): Conflicting classifications of pathogenicity. Review status: criteria provided, conflicting classifications (1 of 4 stars). 13 submissions from 13 submitters: Uncertain significance (11); Likely benign (2). Last evaluated 2026-09-01.

Conditions:
Cardiovascular phenotype. Identifiers: MedGen CN230736.
TTN-related disorder. Also called: TTN-related disorders; TTN-related condition; TTN-related disease.
Autosomal recessive limb-girdle muscular dystrophy type 2J (LGMDR10). Also called: Limb-girdle muscular dystrophy, type 2J; MUSCULAR DYSTROPHY, LIMB-GIRDLE, AUTOSOMAL RECESSIVE 10. Identifiers: Orphanet 140922, MedGen C1837342, MONDO:0012127, OMIM 608807.
Dilated cardiomyopathy 1G (CMD1G). Identifiers: Orphanet 154, MedGen C1858763, MONDO:0011400, OMIM 604145.
Hypertrophic cardiomyopathy 9. Also called: Familial hypertrophic cardiomyopathy 9. Identifiers: MedGen C1861065, MONDO:0013412, OMIM 613765.
Early-onset myopathy with fatal cardiomyopathy (CMYO5). Also called: Salih Myopathy; CONGENITAL MYOPATHY 5 WITH CARDIOMYOPATHY. Identifiers: Orphanet 289377, MedGen C2673677, MONDO:0012714, OMIM 611705. Disease mechanism: loss of function.
Myopathy, myofibrillar, 9, with early respiratory failure (MFM9). Also called: Myopathy, distal, with early respiratory failure, autosomal dominant; EDSTROM MYOPATHY; MYOPATHY, PROXIMAL, WITH EARLY RESPIRATORY MUSCLE INVOLVEMENT; Hereditary myopathy with early respiratory failure. Identifiers: Orphanet 178464, Orphanet 34521, MedGen C1863599, MONDO:0011362, OMIM 603689.
Tibial muscular dystrophy (TMD). Also called: Udd Distal Myopathy – Tibial Muscular Dystrophy; UDD MYOPATHY; Tibial muscular dystrophy, tardive. Identifiers: Orphanet 609, MedGen C1838244, MONDO:0010870, OMIM 600334.
Cardiomyopathy (CMYO). Also called: Cardiomyopathies. Identifiers: Orphanet 167848, MedGen C0878544, MONDO:0004994, HP:0001638. Inheritance: Various modes of inheritance.

Allele frequency attached by ClinVar (database versions not stated): ExAC 0.00005; ESP Exome Variant Server 0.00008; gnomAD exomes 0.00009 and 0.00023; gnomAD 0.00012; TOPMed 0.00020.
gnomAD v4.1: 366 of 1,613,314 alleles (0.023%); highest among the groups gnomAD compares: Non-Finnish European, 0.028%; no homozygotes.

Submissions (13):

CeGaT Center for Human Genetics Tuebingen
Classification: Uncertain significance. Last evaluated: 2026-09-01. Review status: criteria provided, single submitter. Criteria: CeGaT Center For Human Genetics Tuebingen Variant Classification Criteria Version 2. Collection method: clinical testing. Allele origin: germline. Affected: yes. Observed: 1 variant allele.
Comment: TTN: PM2

PreventionGenetics, part of Exact Sciences
Classification: Likely benign for TTN-related condition. Last evaluated: 2026-04-21. Review status: criteria provided, single submitter. Criteria: ACMG Guidelines, 2015. Collection method: clinical testing. Allele origin: germline.
Comment: This variant is classified as likely benign based on ACMG/AMP sequence variant interpretation guidelines (Richards et al. 2015 PMID: 25741868, with internal and published modifications).

Women's Health and Genetics/Laboratory Corporation of America, LabCorp
Classification: Uncertain significance. Last evaluated: 2025-11-12. Review status: criteria provided, single submitter. Criteria: LabCorp Variant Classification Summary - May 2015. Collection method: clinical testing. Allele origin: germline.
Comment: Variant summary: TTN NM_133378 c.61634G>A (p.Arg20545Gln), also known as NM_001267550 c.69338G>A (p.Arg23113Gln), results in a conservative amino acid change located in the A-band region of the encoded protein sequence. Algorithms developed to predict the effect of missense changes on protein structure and function are either unavailable or do not agree on the potential impact of this missense change. The variant allele was found at a frequency of 9.3e-05 in 248036 control chromosomes, predominantly at a frequency of 0.0002 within the Non-Finnish European subpopulation in the gnomAD database. This frequency is not significantly higher than estimated for disease-causing variants in TTN, allowing no conclusion about variant significance. c.61634G>A has been reported in the literature in individuals affected with Dilated Cardiomyopathy (e.g. Haas_2015, Mazzarotto_2020). These report(s) do not provide unequivocal conclusions about association of the variant with Dilated Cardiomyopathy and other TTN-related diseases. To our knowledge, no experimental evidence demonstrating an impact on protein function has been reported. The following publications have been ascertained in the context of this evaluation (PMID: 25163546, 31983221, 24011988). ClinVar contains an entry for this variant (Variation ID: 191909). Based on the evidence outlined above, the variant was classified as uncertain significance.

Revvity Omics, Revvity
Classification: Uncertain significance. Last evaluated: 2024-12-20. Review status: criteria provided, single submitter. Criteria: ACMG Guidelines, 2015. Collection method: clinical testing. Allele origin: germline.

Mayo Clinic Laboratories, Mayo Clinic
Classification: Uncertain significance. Last evaluated: 2024-08-15. Review status: criteria provided, single submitter. Criteria: ACMG Guidelines, 2015. Collection method: clinical testing. Allele origin: germline. Observed: 2 variant alleles.
Comment: PM2

Fulgent Genetics
Classification: Uncertain significance for Tibial muscular dystrophy; Myopathy, myofibrillar, 9, with early respiratory failure; Dilated cardiomyopathy 1G; Autosomal recessive limb-girdle muscular dystrophy type 2J; Early-onset myopathy with fatal cardiomyopathy; Hypertrophic cardiomyopathy 9. Last evaluated: 2024-02-24. Review status: criteria provided, single submitter. Criteria: ACMG Guidelines, 2015. Collection method: clinical testing. Allele origin: germline.

GeneDx
Classification: Likely benign. Last evaluated: 2018-06-05. Review status: criteria provided, single submitter. Criteria: GeneDx Variant Classification (06012015). Collection method: clinical testing. Allele origin: germline. Affected: yes.
Comment: This variant is considered likely benign or benign based on one or more of the following criteria: it is a conservative change, it occurs at a poorly conserved position in the protein, it is predicted to be benign by multiple in silico algorithms, and/or has population frequency not consistent with disease.

Labcorp Genetics (formerly Invitae), Labcorp
Classification: Uncertain significance for Dilated cardiomyopathy 1G; Autosomal recessive limb-girdle muscular dystrophy type 2J. Last evaluated: 2017-10-10. Review status: criteria provided, single submitter. Criteria: Invitae Variant Classification Sherloc (09022015). Collection method: clinical testing. Allele origin: germline.

Athena Diagnostics
Classification: Uncertain significance. Last evaluated: 2017-07-21. Review status: criteria provided, single submitter. Criteria: Athena Diagnostics Criteria. Collection method: clinical testing. Allele origin: germline.

CHEO Genetics Diagnostic Laboratory, Children's Hospital of Eastern Ontario
Classification: Uncertain significance for Cardiomyopathy. Last evaluated: 2016-06-06. Review status: criteria provided, single submitter. Criteria: ACMG Guidelines, 2015. Collection method: clinical testing. Allele origin: germline. Study: Canadian Open Genetics Repository.

Laboratory for Molecular Medicine, Mass General Brigham Personalized Medicine
Classification: Uncertain significance. Last evaluated: 2015-06-30. Review status: criteria provided, single submitter. Criteria: LMM Criteria. Collection method: clinical testing. Allele origin: germline. Observed: 1 variant allele.
Comment: The p.Arg20545Gln variant in TTN has not been previously reported in individuals with cardiomyopathy, but has been identified in 6/66666 European chromosomes by the Exome Aggregation Consortium (ExAC; dbSNP r s370890454). Computational prediction tools and conservation analysis suggest th at the p.Arg20545Gln variant may impact the protein, though this information is not predictive enough to determine pathogenicity. In summary, the clinical signi ficance of the p.Arg20545Gln variant is uncertain.

Ambry Genetics
Classification: Uncertain significance for Cardiovascular phenotype. Last evaluated: 2013-10-25. Review status: criteria provided, single submitter. Criteria: Ambry Autosomal Dominant and X-Linked criteria (10/2015). Collection method: clinical testing. Allele origin: germline. Observed: 1 variant allele.
Comment: The p.R20545Q variant (also known as c.61634G>A) is located in coding exon 272 of the TTN gene. This alteration results from a G to A substitution at nucleotide position 61634. The arginine at codon 20545 is replaced by glutamine, an amino acid with highly similar properties. The variant was found in whole exome analysis. This child did not show any symptoms of cardiomyopathy, but given the young age this diagnosis cannot be ruled out (Yu et al.Am. J. Hum. Genet. 2013 Sep;93(3):506-14).Based on data from the NHLBI Exome Sequencing Project (ESP), the A-allele has an overall frequency of approximately 0.01% (1/12050). This variant was not observed in 3824 of African American alleles, but observed in 0.01% (1/8226) of European American alleles studied. This variant was not reported in population-based cohorts in the following databases: Database of Single Nucleotide Polymorphisms (dbSNP) and 1000 Genomes Project. This amino acid position is highly conserved on sequence alignment. This variant is predicted to be probably damaging by PolyPhen in silico analyses. Since supporting evidence is limited at this time, the clinical significance of p.R20545Q remains unclear.

Biesecker Lab/Clinical Genomics Section, National Institutes of Health
Classification: Uncertain significance. Last evaluated: 2013-06-24. Review status: criteria provided, single submitter. Criteria: Ng et al. (Circ Cardiovasc Genet. 2013). Collection method: research. Allele origin: unknown. Observed: 1 variant allele. Study: ClinSeq.
Comment: The study set was not selected for affection status in relation to any cancer. Pathogenicity categories were based on literature curation. See Pubmed ID:23861362 for details.

Medical sequencing

Literature cited by the submitters: PubMed 25163546 (cited by Women's Health and Genetics/Laboratory Corporation of America, LabCorp and Mayo Clinic Laboratories, Mayo Clinic); PubMed 24011988 (cited by Women's Health and Genetics/Laboratory Corporation of America, LabCorp and Mayo Clinic Laboratories, Mayo Clinic); PubMed 31983221 (cited by Women's Health and Genetics/Laboratory Corporation of America, LabCorp and Mayo Clinic Laboratories, Mayo Clinic).